The following is an entry in ClinVar:

NM_016151.4(TAOK2):c.1849A>G (p.Lys617Glu)

Gene: TAOK2 (TAO kinase 2; plus strand). Cytogenetic location: 16p11.2.
Variant type: single nucleotide variant.
Coding change: c.1849A>G on transcript NM_016151.4 (MANE Select); coding-DNA position 1849, A replaced by G.
Protein change: p.Lys617Glu; replaces lysine 617 with glutamic acid.
Molecular consequence: missense variant.
Genome position (GRCh38, 1-based): chr16:29,985,718, A>G. VCF-style: chr16-29985718-A-G. GRCh37 (hg19) VCF-style: chr16-29997039-A-G.
Other names: c.1849A>G, p.Lys617Glu (NM_001252043.2, NM_004783.4); short protein forms K617E.
Identifiers: ClinVar variation 2831692 (VCV002831692.3), dbSNP rs2543653026, ClinGen allele CA395487616.

ClinVar aggregate classification (germline): Uncertain significance (1 of 4 stars; one submission).

Submission:

Labcorp Genetics (formerly Invitae), Labcorp
Classification: Uncertain significance. Last evaluated: 2023-01-24. Review status: criteria provided, single submitter. Criteria: Invitae Variant Classification Sherloc (09022015). Collection method: clinical testing. Allele origin: germline.
Comment: In summary, the available evidence is currently insufficient to determine the role of this variant in disease. Therefore, it has been classified as a Variant of Uncertain Significance. Algorithms developed to predict the effect of missense changes on protein structure and function are either unavailable or do not agree on the potential impact of this missense change (SIFT: "Deleterious"; PolyPhen-2: "Benign"; Align-GVGD: "Class C15"). This variant has not been reported in the literature in individuals affected with TAOK2-related conditions. This variant is not present in population databases (gnomAD no frequency). This sequence change replaces lysine, which is basic and polar, with glutamic acid, which is acidic and polar, at codon 617 of the TAOK2 protein (p.Lys617Glu).